The following is an entry in ClinVar:

NM_002282.3(KRT83):c.877C>T (p.Arg293Cys)

Gene: KRT83 (keratin 83; minus strand). Cytogenetic location: 12q13.13.
Variant type: single nucleotide variant.
Coding change: c.877C>T on transcript NM_002282.3 (MANE Select); coding-DNA position 877, C replaced by T.
Protein change: p.Arg293Cys; replaces arginine 293 with cysteine.
Molecular consequence: missense variant.
Genome position (GRCh38, 1-based): chr12:52,316,897, G>A on the plus strand (C>T on the coding strand, the complement: KRT83 is on the minus strand). VCF-style: chr12-52316897-G-A. GRCh37 (hg19) VCF-style: chr12-52710681-G-A.
Other names: short protein forms R293C.
Identifiers: ClinVar variation 309515 (VCV000309515.8), dbSNP rs143037477, ClinGen allele CA6577492.

ClinVar aggregate classification (germline): Conflicting classifications of pathogenicity. Review status: criteria provided, conflicting classifications (1 of 4 stars). 2 submissions from 2 submitters: Uncertain significance (1); Benign (1). Last evaluated 2025-01-18.

Conditions:
Monilethrix. Also called: Beaded hair. Identifiers: Orphanet 573, MedGen C0546966, MONDO:0008009, HP:0032470.

Allele frequency attached by ClinVar (database versions not stated): ExAC 0.00008; gnomAD 0.00026 and 0.00031; TOPMed 0.00031; ESP Exome Variant Server 0.00046.

Submissions (2):

Ambry Genetics
Classification: Uncertain significance. Last evaluated: 2025-01-18. Review status: criteria provided, single submitter. Criteria: Ambry Variant Classification Scheme 2023. Collection method: clinical testing. Allele origin: germline.

Illumina Laboratory Services, Illumina
Classification: Benign for MONILETHRIX 1. Last evaluated: 2018-01-13. Review status: criteria provided, single submitter. Criteria: ICSL Variant Classification Criteria 13 December 2019. Collection method: clinical testing. Allele origin: germline.
Comment: This variant was observed in the ICSL laboratory as part of a predisposition screen in an ostensibly healthy population. It had not been previously curated by ICSL or reported in the Human Gene Mutation Database (HGMD: prior to June 1st, 2018), and was therefore a candidate for classification through an automated scoring system. Utilizing variant allele frequency, disease prevalence and penetrance estimates, and inheritance mode, an automated score was calculated to assess if this variant is too frequent to cause the disease. Based on the score and internal cut-off values, a variant classified as benign is not then subjected to further curation. The score for this variant resulted in a classification of benign for this disease.